The following is an entry in ClinVar:

ClinVar aggregate classification (germline): Uncertain significance (1 of 4 stars; one submission).

Submission:

CeGaT Center for Human Genetics Tuebingen
Classification: Uncertain significance. Last evaluated: 2026-06-01. Review status: criteria provided, single submitter. Criteria: CeGaT Center For Human Genetics Tuebingen Variant Classification Criteria Version 2. Collection method: clinical testing. Allele origin: germline. Affected: yes. Observed: 1 variant allele.
Comment: BRWD3: PM2, BP4

NM_153252.5(BRWD3):c.4139A>G (p.Glu1380Gly)

Gene: BRWD3 (bromodomain and WD repeat domain containing 3; minus strand). Cytogenetic location: Xq21.1.
Variant type: single nucleotide variant.
Coding change: c.4139A>G on transcript NM_153252.5 (MANE Select); coding-DNA position 4139, A replaced by G.
Protein change: p.Glu1380Gly; replaces glutamic acid 1380 with glycine.
Molecular consequence: missense variant.
Genome position (GRCh38, 1-based): chrX:80,684,104, T>C on the plus strand (A>G on the coding strand, the complement: BRWD3 is on the minus strand). VCF-style: chrX-80684104-T-C. GRCh37 (hg19) VCF-style: chrX-79939603-T-C.
Other names: c.3989A>G, p.Glu1330Gly (NM_001441339.1); short protein forms E1330G, E1380G.
Identifiers: ClinVar variation 4875454 (VCV004875454.2).
Genomic context (GRCh38, chrX:80,684,104, plus strand): 5'-TTGTTGAATATTTGGCGAACATCCTTATAAAATTCCAGAGGACTACCATAGTTTCCTGCT[T>C]CCAAAGTTTCTTTCACAGTGCTGAAGTCCACAGGAGTATCTATAACATCTTGATAATCCT-3'
Protein context (NP_694984.5, residues 1370-1390): VDFSTVKETL[Glu1380Gly]AGNYGSPLEF